The following is an entry in ClinVar:

NM_001148.6(ANK2):c.5920C>A (p.Pro1974Thr)

Genes: ANK2 (ankyrin 2; plus strand), LOC126807136 (MED14-independent group 3 enhancer GRCh37_chr4:114274931-114276130; plus strand). Cytogenetic location: 4q26.
Variant type: single nucleotide variant.
Coding change: c.5920C>A on transcript NM_001148.6 (MANE Select); coding-DNA position 5920, C replaced by A.
Protein change: p.Pro1974Thr; replaces proline 1974 with threonine.
Molecular consequence: missense variant. On other transcripts: intron variant (68).
Genome position (GRCh38, 1-based): chr4:113,354,538, C>A. VCF-style: chr4-113354538-C-A. GRCh37 (hg19) VCF-style: chr4-114275694-C-A.
Other names: c.5686C>A, p.Pro1896Thr (NM_001386142.1); c.2320C>A, p.Pro774Thr (NM_001386166.1); c.6061C>A, p.Pro2021Thr (NM_001386174.1); c.6037C>A, p.Pro2013Thr (NM_001386175.1); c.4411+4289C>A (NM_001386186.2, NM_001386148.2); c.4213+4289C>A (NM_001354269.3); c.4291+4289C>A (NM_001386187.2); c.4252+4289C>A (NM_001386147.1); and 35 more; short protein forms P1974T, P1896T, P2013T, P2021T, P774T.
Identifiers: ClinVar variation 958068 (VCV000958068.7), dbSNP rs1320080856, ClinGen allele CA357921760.

ClinVar aggregate classification (germline): Uncertain significance (1 of 4 stars; one submission).

Conditions:
Long QT syndrome (LQTS). Identifiers: MedGen C0023976, MeSH D008133, MONDO:0002442. Disease mechanism: loss of function. Inheritance: Various modes of inheritance.

Allele frequency attached by ClinVar (database versions not stated): TOPMed below 0.00001.

Submission:

Labcorp Genetics (formerly Invitae), Labcorp
Classification: Uncertain significance for Long QT syndrome. Last evaluated: 2023-03-26. Review status: criteria provided, single submitter. Criteria: Invitae Variant Classification Sherloc (09022015). Collection method: clinical testing. Allele origin: germline.
Comment: This sequence change replaces proline, which is neutral and non-polar, with threonine, which is neutral and polar, at codon 1974 of the ANK2 protein (p.Pro1974Thr). This variant is not present in population databases (gnomAD no frequency). This variant has not been reported in the literature in individuals affected with ANK2-related conditions. ClinVar contains an entry for this variant (Variation ID: 958068). An algorithm developed to predict the effect of missense changes on protein structure and function (PolyPhen-2) suggests that this variant is likely to be disruptive. In summary, the available evidence is currently insufficient to determine the role of this variant in disease. Therefore, it has been classified as a Variant of Uncertain Significance.